The following is an entry in ClinVar:

NM_001190274.2(FBXO11):c.932C>T (p.Ala311Val)

Gene: FBXO11 (F-box protein 11; minus strand). Cytogenetic location: 2p16.3.
Variant type: single nucleotide variant.
Coding change: c.932C>T on transcript NM_001190274.2 (MANE Select); coding-DNA position 932, C replaced by T.
Protein change: p.Ala311Val; replaces alanine 311 with valine.
Molecular consequence: missense variant.
Genome position (GRCh38, 1-based): chr2:47,834,581, G>A on the plus strand (C>T on the coding strand, the complement: FBXO11 is on the minus strand). VCF-style: chr2-47834581-G-A. GRCh37 (hg19) VCF-style: chr2-48061720-G-A.
Other names: c.680C>T, p.Ala227Val (NM_001374325.1, NM_025133.4); short protein forms A227V, A311V.
Identifiers: ClinVar variation 5006305 (VCV005006305.2).

ClinVar aggregate classification (germline): Uncertain significance (1 of 4 stars; one submission).

Conditions:
Intellectual developmental disorder with dysmorphic facies and behavioral abnormalities. Identifiers: MedGen C4748135, MONDO:0060760, OMIM 618089.

Submission:

Juno Genomics, Hangzhou Juno Genomics, Inc
Classification: Uncertain significance for Intellectual developmental disorder with dysmorphic facies and behavioral abnormalities. Review status: criteria provided, single submitter. Criteria: ACMG Guidelines, 2015. Collection method: clinical testing. Allele origin: germline.
Comment: Missense variant in a gene that has a low rate of benign missense variation.;Multiple lines of computational evidence support a deleterious effect on the gene or gene product.;Absent from controls (or at extremely low frequency if recessive) in Genome Aggregation Database.